The following is an entry in ClinVar:

ClinVar aggregate classification (germline): Uncertain significance (1 of 4 stars; one submission).

Conditions:
Inborn genetic diseases. Identifiers: MedGen C0950123, MeSH D030342.

gnomAD v4.1: 2 of 1,614,052 alleles (0.00012%); highest among the groups gnomAD compares: East Asian, 0.0022%; no homozygotes.

Submission:

Ambry Genetics
Classification: Uncertain significance for Inborn genetic diseases. Last evaluated: 2025-07-19. Review status: criteria provided, single submitter. Criteria: Ambry Variant Classification Scheme 2023. Collection method: clinical testing. Allele origin: germline.
Comment: The p.D854N variant (also known as c.2560G>A), located in coding exon 27 of the FANCA gene, results from a G to A substitution at nucleotide position 2560. The aspartic acid at codon 854 is replaced by asparagine, an amino acid with highly similar properties. This amino acid position is conserved. In addition, this alteration is predicted to be tolerated by in silico analysis. Based on the available evidence, the clinical significance of this variant remains unclear.

NM_000135.4(FANCA):c.2560G>A (p.Asp854Asn)

Gene: FANCA (FA complementation group A; minus strand). Cytogenetic location: 16q24.3.
Variant type: single nucleotide variant.
Coding change: c.2560G>A on transcript NM_000135.4 (MANE Select); coding-DNA position 2560, G replaced by A.
Protein change: p.Asp854Asn; replaces aspartic acid 854 with asparagine.
Molecular consequence: missense variant.
Genome position (GRCh38, 1-based): chr16:89,767,182, C>T on the plus strand (G>A on the coding strand, the complement: FANCA is on the minus strand). VCF-style: chr16-89767182-C-T. GRCh37 (hg19) VCF-style: chr16-89833590-C-T.
Other names: c.2560G>A, p.Asp854Asn (NM_001286167.3); short protein forms D854N.
Identifiers: ClinVar variation 4254217 (VCV004254217.1).
Genomic context (GRCh38, chr16:89,767,182, plus strand): 5'-AGGAAAAGAGTGAACCTACCTTTTTAATAAGGCCTGGAGATAAGCAGCTGCACAAAGTAT[C>T]TCGTGACTGGGAAGAAAACTTGCAGAGAGAGTAAGAAATTGCTGCTGTACAAAATCTGAA-3'
Protein context (NP_000126.2, residues 844-864): SLCKFSSQSR[Asp854Asn]TLCSCLSPGL